The following is an entry in ClinVar:

ClinVar aggregate classification (germline): Uncertain significance (1 of 4 stars; one submission).

Conditions:
Episodic kinesigenic dyskinesia (EKD). Also called: Paroxysmal kinesigenic dyskinesia. Identifiers: Orphanet 98809, MedGen C1868682, MONDO:0044202.

Allele frequency attached by ClinVar (database versions not stated): gnomAD exomes 0.00001.
gnomAD v4.1: 5 of 1,599,066 alleles (0.00031%); highest among the groups gnomAD compares: Non-Finnish European, 0.00043%; no homozygotes.

Submission:

Labcorp Genetics (formerly Invitae), Labcorp
Classification: Uncertain significance for Episodic kinesigenic dyskinesia. Last evaluated: 2023-08-07. Review status: criteria provided, single submitter. Criteria: Invitae Variant Classification Sherloc (09022015). Collection method: clinical testing. Allele origin: germline.
Comment: This sequence change replaces proline, which is neutral and non-polar, with serine, which is neutral and polar, at codon 239 of the PRRT2 protein (p.Pro239Ser). This variant is not present in population databases (gnomAD no frequency). This variant has not been reported in the literature in individuals affected with PRRT2-related conditions. Advanced modeling of protein sequence and biophysical properties (such as structural, functional, and spatial information, amino acid conservation, physicochemical variation, residue mobility, and thermodynamic stability) performed at Invitae indicates that this missense variant is not expected to disrupt PRRT2 protein function. In summary, the available evidence is currently insufficient to determine the role of this variant in disease. Therefore, it has been classified as a Variant of Uncertain Significance.

NM_145239.3(PRRT2):c.715C>T (p.Pro239Ser)

Genes: MVP-DT (MVP divergent transcript; minus strand), PRRT2 (proline rich transmembrane protein 2; plus strand). Cytogenetic location: 16p11.2.
Variant type: single nucleotide variant.
Coding change: c.715C>T on transcript NM_145239.3 (MANE Select); coding-DNA position 715, C replaced by T.
Protein change: p.Pro239Ser; replaces proline 239 with serine.
Molecular consequence: missense variant.
Genome position (GRCh38, 1-based): chr16:29,813,769, C>T. VCF-style: chr16-29813769-C-T. GRCh37 (hg19) VCF-style: chr16-29825090-C-T.
Other names: c.715C>T, p.Pro239Ser (NM_001256442.2, NM_001256443.2); short protein forms P239S.
Identifiers: ClinVar variation 2735477 (VCV002735477.3), dbSNP rs1900104894, ClinGen allele CA395479371.